The following is an entry in ClinVar:

ClinVar aggregate classification (germline): Uncertain significance (1 of 4 stars; one submission).

Submission:

GeneDx
Classification: Uncertain significance. Last evaluated: 2023-09-30. Review status: criteria provided, single submitter. Criteria: GeneDx Variant Classification Process June 2021. Collection method: clinical testing. Allele origin: germline. Affected: yes.
Comment: Not observed at significant frequency in large population cohorts (gnomAD); In silico analysis supports that this missense variant does not alter protein structure/function; Has not been previously published as pathogenic or benign to our knowledge; This variant is associated with the following publications: (PMID: 25817015)

NM_001605.3(AARS1):c.1240C>A (p.Leu414Ile)

Gene: AARS1 (alanyl-tRNA synthetase 1; minus strand). Cytogenetic location: 16q22.1.
Variant type: single nucleotide variant.
Coding change: c.1240C>A on transcript NM_001605.3 (MANE Select); coding-DNA position 1240, C replaced by A.
Protein change: p.Leu414Ile; replaces leucine 414 with isoleucine.
Molecular consequence: missense variant.
Genome position (GRCh38, 1-based): chr16:70,265,645, G>T on the plus strand (C>A on the coding strand, the complement: AARS1 is on the minus strand). VCF-style: chr16-70265645-G-T. GRCh37 (hg19) VCF-style: chr16-70299548-G-T.
Other names: short protein forms L414I.
Identifiers: ClinVar variation 3252229 (VCV003252229.1), dbSNP rs2507009686.
Genomic context (GRCh38, chr16:70,265,645, plus strand): 5'-GGCCCTTCTCTTCAGCAATCAGTCCAGTCAGATCCACTGGAAACCCATAGGTGTCATAGA[G>T]GAGCCAAGCAGTGTCTCCTACACAGCACAAAGGAGGTGTGTCAAAAAAAACAGACAGCCC-3'
Protein context (NP_001596.2, residues 404-424): KTIPGDTAWL[Leu414Ile]YDTYGFPVDL